The following is an entry in ClinVar:

ClinVar aggregate classification (germline): Conflicting classifications of pathogenicity. Review status: criteria provided, conflicting classifications (1 of 4 stars). 4 submissions from 4 submitters: Uncertain significance (3); Likely benign (1). Last evaluated 2025-05-12.

Conditions:
Inborn genetic diseases. Identifiers: MedGen C0950123, MeSH D030342.

Allele frequency attached by ClinVar (database versions not stated): gnomAD exomes 0.00003 and 0.00006; ExAC 0.00005; ESP Exome Variant Server 0.00008; gnomAD 0.00024 and 0.00027; TOPMed 0.00028.
gnomAD v4.1: 84 of 1,614,030 alleles (0.0052%); highest among the groups gnomAD compares: African/African-American, 0.093%; no homozygotes.

Submissions (4):

Labcorp Genetics (formerly Invitae), Labcorp
Classification: Uncertain significance. Last evaluated: 2025-05-12. Review status: criteria provided, single submitter. Criteria: Invitae Variant Classification Sherloc (09022015). Collection method: clinical testing. Allele origin: germline.
Comment: This sequence change replaces valine, which is neutral and non-polar, with isoleucine, which is neutral and non-polar, at codon 104 of the SLC17A8 protein (p.Val104Ile). This variant is present in population databases (rs373954823, gnomAD 0.06%), and has an allele count higher than expected for a pathogenic variant. This variant has not been reported in the literature in individuals affected with SLC17A8-related conditions. ClinVar contains an entry for this variant (Variation ID: 165240). Invitae Evidence Modeling of protein sequence and biophysical properties (such as structural, functional, and spatial information, amino acid conservation, physicochemical variation, residue mobility, and thermodynamic stability) indicates that this missense variant is not expected to disrupt SLC17A8 protein function with a negative predictive value of 80%. In summary, the available evidence is currently insufficient to determine the role of this variant in disease. Therefore, it has been classified as a Variant of Uncertain Significance.

Ambry Genetics
Classification: Uncertain significance for Inborn genetic diseases. Last evaluated: 2024-01-09. Review status: criteria provided, single submitter. Criteria: Ambry Variant Classification Scheme 2023. Collection method: clinical testing. Allele origin: germline.

GeneDx
Classification: Likely benign. Last evaluated: 2020-07-20. Review status: criteria provided, single submitter. Criteria: GeneDx Variant Classification Process June 2021. Collection method: clinical testing. Allele origin: germline. Affected: yes.

Laboratory for Molecular Medicine, Mass General Brigham Personalized Medicine
Classification: Uncertain significance. Last evaluated: 2014-04-11. Review status: criteria provided, single submitter. Criteria: LMM Criteria. Collection method: clinical testing. Allele origin: germline. Observed: 1 variant allele.
Comment: The Val104Ile variant in SLC17A8 has not been previously reported in individuals with hearing loss, but has been identified in 0.02% (1/4406) of African America n chromosomes by the NHLBI Exome Sequencing Project (u/EVS/). Computational analyses (biochemical amino acid properties, conservation , AlignGVGD, PolyPhen2, and SIFT) do not provide strong support for or against a n impact to the protein. In summary, the clinical significance of the Val104Ile variant is uncertain.

NM_139319.3(SLC17A8):c.310G>A (p.Val104Ile)

Gene: SLC17A8 (solute carrier family 17 member 8; plus strand). Cytogenetic location: 12q23.1.
Variant type: single nucleotide variant.
Coding change: c.310G>A on transcript NM_139319.3 (MANE Select); coding-DNA position 310, G replaced by A.
Protein change: p.Val104Ile; replaces valine 104 with isoleucine.
Molecular consequence: missense variant.
Genome position (GRCh38, 1-based): chr12:100,380,909, G>A. VCF-style: chr12-100380909-G-A. GRCh37 (hg19) VCF-style: chr12-100774687-G-A.
Other names: c.310G>A, p.Val104Ile (NM_001145288.2); short protein forms V104I.
Identifiers: ClinVar variation 165240 (VCV000165240.13), dbSNP rs373954823, ClinGen allele CA177986.